The following is an entry in ClinVar:

ClinVar aggregate classification (germline): Conflicting classifications of pathogenicity. Review status: criteria provided, conflicting classifications (1 of 4 stars). 2 submissions from 2 submitters: Uncertain significance (1); Likely benign (1). Last evaluated 2024-11-20.

Conditions:
Ataxia-telangiectasia syndrome (AT). Also called: Ataxia-telangiectasia, complementation group D; AT, COMPLEMENTATION GROUP C; ATAXIA-TELANGIECTASIA, COMPLEMENTATION GROUP A; ATAXIA-TELANGIECTASIA, FRESNO VARIANT; Ataxia-telangiectasia; LOUIS-BAR SYNDROME. Identifiers: Orphanet 100, MedGen C0004135, MONDO:0008840, OMIM 208900.
Hereditary cancer-predisposing syndrome. Also called: Neoplastic Syndromes, Hereditary; Tumor predisposition; Hereditary neoplastic syndrome; Hereditary Cancer Syndrome. Identifiers: Orphanet 140162, MedGen C0027672, MeSH D009386, MONDO:0015356.

Allele frequency attached by ClinVar (database versions not stated): gnomAD exomes below 0.00001.
gnomAD v4.1: 1 of 1,610,894 alleles (0.000062%); highest among the groups gnomAD compares: East Asian, 0.0022%; no homozygotes.

Submissions (2):

Ambry Genetics
Classification: Likely benign for Hereditary cancer-predisposing syndrome. Last evaluated: 2024-11-20. Review status: criteria provided, single submitter. Criteria: Ambry Variant Classification Scheme 2023. Collection method: clinical testing. Allele origin: germline.

Labcorp Genetics (formerly Invitae), Labcorp
Classification: Uncertain significance for Ataxia-telangiectasia syndrome. Last evaluated: 2024-03-10. Review status: criteria provided, single submitter. Criteria: Invitae Variant Classification Sherloc (09022015). Collection method: clinical testing. Allele origin: germline.
Comment: This sequence change falls in intron 15 of the ATM gene. It does not directly change the encoded amino acid sequence of the ATM protein. It affects a nucleotide within the consensus splice site. This variant is not present in population databases (gnomAD no frequency). This variant has not been reported in the literature in individuals affected with ATM-related conditions. ClinVar contains an entry for this variant (Variation ID: 1790368). Variants that disrupt the consensus splice site are a relatively common cause of aberrant splicing (PMID: 17576681, 9536098). Algorithms developed to predict the effect of sequence changes on RNA splicing suggest that this variant is not likely to affect RNA splicing. In summary, the available evidence is currently insufficient to determine the role of this variant in disease. Therefore, it has been classified as a Variant of Uncertain Significance.

Literature cited by the submitters: PubMed 17576681 (cited by Labcorp Genetics (formerly Invitae), Labcorp); PubMed 9536098 (cited by Labcorp Genetics (formerly Invitae), Labcorp).

NM_000051.4(ATM):c.2377-3C>T

Gene: ATM (ATM serine/threonine kinase; plus strand). Cytogenetic location: 11q22.3.
Variant type: single nucleotide variant.
Coding change: c.2377-3C>T on transcript NM_000051.4 (MANE Select); 3 bases into the intron before coding-DNA position 2377, C replaced by T.
Molecular consequence: intron variant.
Genome position (GRCh38, 1-based): chr11:108,258,983, C>T. VCF-style: chr11-108258983-C-T. GRCh37 (hg19) VCF-style: chr11-108129710-C-T.
Other names: c.2377-3C>T (NM_001351834.2).
Identifiers: ClinVar variation 1790368 (VCV001790368.5), dbSNP rs1565399725, ClinGen allele CA1998777262.
Genomic context (GRCh38, chr11:108,258,983, plus strand): 5'-GTCTGCCAAGAATAATTGTTTTTATTTCTTTGTTGCTTGGTTCTTTGTTTGTCTTAATTG[C>T]AGAAGAGTCCAAATAAGATTGCATCTGGCTTTTTCCTGCGATTGTTAACATCAAAGCTAA-3'